The following is an entry in ClinVar:

NM_005585.5(SMAD6):c.64C>T (p.Arg22Trp)

Gene: SMAD6 (SMAD family member 6; plus strand). Cytogenetic location: 15q22.31.
Variant type: single nucleotide variant.
Coding change: c.64C>T on transcript NM_005585.5 (MANE Select); coding-DNA position 64, C replaced by T.
Protein change: p.Arg22Trp; replaces arginine 22 with tryptophan.
Molecular consequence: missense variant. On other transcripts: non-coding transcript variant (1).
Genome position (GRCh38, 1-based): chr15:66,703,322, C>T. VCF-style: chr15-66703322-C-T. GRCh37 (hg19) VCF-style: chr15-66995660-C-T.
Other names: short protein forms R22W.
Identifiers: ClinVar variation 4692625 (VCV004692625.1).

ClinVar aggregate classification (germline): Uncertain significance (1 of 4 stars; one submission).

Conditions:
Aortic valve disease 2 (AOVD2). Identifiers: MedGen C3542024, MONDO:0013902, OMIM 614823.

gnomAD v4.1: 2 of 1,485,602 alleles (0.00013%); highest among the groups gnomAD compares: Admixed American, 0.0024%; no homozygotes.

Submission:

Labcorp Genetics (formerly Invitae), Labcorp
Classification: Uncertain significance for Aortic valve disease 2. Last evaluated: 2025-12-10. Review status: criteria provided, single submitter. Criteria: Invitae Variant Classification Sherloc (09022015). Collection method: clinical testing. Allele origin: germline.
Comment: This sequence change replaces arginine, which is basic and polar, with tryptophan, which is neutral and slightly polar, at codon 22 of the SMAD6 protein (p.Arg22Trp). This variant is not present in population databases (gnomAD no frequency). This variant has not been reported in the literature in individuals affected with SMAD6-related conditions. An algorithm developed to predict the effect of missense changes on protein structure and function (PolyPhen-2) suggests that this variant is likely to be tolerated. In summary, the available evidence is currently insufficient to determine the role of this variant in disease. Therefore, it has been classified as a Variant of Uncertain Significance.